The following is an entry in ClinVar:

NM_001130823.3(DNMT1):c.1591T>A (p.Phe531Ile)

Gene: DNMT1 (DNA methyltransferase 1; minus strand). Cytogenetic location: 19p13.2.
Variant type: single nucleotide variant.
Coding change: c.1591T>A on transcript NM_001130823.3 (MANE Select); coding-DNA position 1591, T replaced by A.
Protein change: p.Phe531Ile; replaces phenylalanine 531 with isoleucine.
Molecular consequence: missense variant.
Genome position (GRCh38, 1-based): chr19:10,154,958, A>T on the plus strand (T>A on the coding strand, the complement: DNMT1 is on the minus strand). VCF-style: chr19-10154958-A-T. GRCh37 (hg19) VCF-style: chr19-10265634-A-T.
Other names: c.1543T>A, p.Phe515Ile (NM_001318730.2, NM_001379.4); c.1228T>A, p.Phe410Ile (NM_001318731.2); short protein forms F410I, F515I, F531I.
Identifiers: ClinVar variation 2843441 (VCV002843441.3), dbSNP rs2513822920, ClinGen allele CA403935957.

ClinVar aggregate classification (germline): Uncertain significance (1 of 4 stars; one submission).

Conditions:
Hereditary sensory neuropathy-deafness-dementia syndrome. Also called: NEUROPATHY, HEREDITARY SENSORY, WITH HEARING LOSS AND DEMENTIA; HSN IE; Hereditary Sensory and Autonomic Neuropathy Type 1E (HSAN1E); Hereditary sensory neuropathy type IE. Identifiers: Orphanet 456318, MedGen C3279885, MONDO:0013584, OMIM 614116.

Submission:

Labcorp Genetics (formerly Invitae), Labcorp
Classification: Uncertain significance for Hereditary sensory neuropathy-deafness-dementia syndrome. Last evaluated: 2023-03-16. Review status: criteria provided, single submitter. Criteria: Invitae Variant Classification Sherloc (09022015). Collection method: clinical testing. Allele origin: germline.
Comment: In summary, the available evidence is currently insufficient to determine the role of this variant in disease. Therefore, it has been classified as a Variant of Uncertain Significance. Advanced modeling of protein sequence and biophysical properties (such as structural, functional, and spatial information, amino acid conservation, physicochemical variation, residue mobility, and thermodynamic stability) performed at Invitae indicates that this missense variant is not expected to disrupt DNMT1 protein function. This variant has not been reported in the literature in individuals affected with DNMT1-related conditions. This variant is not present in population databases (gnomAD no frequency). This sequence change replaces phenylalanine, which is neutral and non-polar, with isoleucine, which is neutral and non-polar, at codon 531 of the DNMT1 protein (p.Phe531Ile).